The following is an entry in ClinVar:

NM_022166.4(XYLT1):c.1742C>T (p.Pro581Leu)

Genes: XYLT1 (xylosyltransferase 1; minus strand), LOC102723692 (uncharacterized LOC102723692; plus strand). Cytogenetic location: 16p12.3.
Variant type: single nucleotide variant.
Coding change: c.1742C>T on transcript NM_022166.4 (MANE Select); coding-DNA position 1742, C replaced by T.
Protein change: p.Pro581Leu; replaces proline 581 with leucine.
Molecular consequence: missense variant. On other transcripts: non-coding transcript variant (1).
Genome position (GRCh38, 1-based): chr16:17,138,377, G>A on the plus strand (C>T on the coding strand, the complement: XYLT1 is on the minus strand). VCF-style: chr16-17138377-G-A. GRCh37 (hg19) VCF-style: chr16-17232234-G-A.
Other names: short protein forms P581L.
Identifiers: ClinVar variation 715275 (VCV000715275.12), dbSNP rs146414934, ClinGen allele CA7927805.
Genomic context (GRCh38, chr16:17,138,377, plus strand): 5'-ATCACTTAGGAGGCTGGCAGACCATGAGAAAGTCTCACCTGGAAGCGGTGGAAGTCCTGC[G>A]GCTTGAAGTCATTGGGGGAGCAGCCGCACCAGTCCACGATGTGCTTGTACTGGCACTTGC-3'
Protein context (NP_071449.1, residues 571-591): WCGCSPNDFK[Pro581Leu]QDFHRFQQTA

ClinVar aggregate classification (germline): Likely benign. Review status: criteria provided, multiple submitters, no conflicts (2 of 4 stars). 3 submissions from 3 submitters: Likely benign (3). Last evaluated 2025-12-05.

Conditions:
XYLT1-related disorder. Also called: XYLT1-related condition.
Desbuquois dysplasia 1 (DBQD1). Also called: MICROMELIC DWARFISM WITH VERTEBRAL AND METAPHYSEAL ABNORMALITIES AND ADVANCED CARPOTARSAL OSSIFICATION; DESBUQUOIS DYSPLASIA 1, KIM VARIANT. Identifiers: Orphanet 1425, MedGen C4012146, MONDO:0009629, OMIM 251450.

Allele frequency attached by ClinVar (database versions not stated): ESP Exome Variant Server 0.00038; gnomAD 0.00061 and 0.00080; TOPMed 0.00074; gnomAD exomes 0.00111; ExAC 0.00125; 1000 Genomes Project 30x 0.00203; 1000 Genomes Project 0.00260.
gnomAD v4.1: 1,411 of 1,613,708 alleles (0.087%); highest among the groups gnomAD compares: South Asian, 0.34%; 3 homozygotes.

Submissions (3):

Labcorp Genetics (formerly Invitae), Labcorp
Classification: Likely benign for Desbuquois dysplasia 1. Last evaluated: 2025-12-05. Review status: criteria provided, single submitter. Criteria: Invitae Variant Classification Sherloc (09022015). Collection method: clinical testing. Allele origin: germline.

PreventionGenetics, part of Exact Sciences
Classification: Likely benign for XYLT1-related condition. Last evaluated: 2024-10-25. Review status: criteria provided, single submitter. Criteria: ACMG Guidelines, 2015. Collection method: clinical testing. Allele origin: germline.
Comment: This variant is classified as likely benign based on ACMG/AMP sequence variant interpretation guidelines (Richards et al. 2015 PMID: 25741868, with internal and published modifications).

Breakthrough Genomics
Classification: Likely benign. Review status: criteria provided, single submitter. Criteria: ACMG Guidelines, 2015. Collection method: not provided. Allele origin: germline. Inheritance: Autosomal recessive inheritance. Affected: yes.